The following is an entry in ClinVar:

NM_017882.3(CLN6):c.221T>G (p.Phe74Cys)

Gene: CLN6 (CLN6 transmembrane ER protein; minus strand). Cytogenetic location: 15q23.
Variant type: single nucleotide variant.
Coding change: c.221T>G on transcript NM_017882.3 (MANE Select); coding-DNA position 221, T replaced by G.
Protein change: p.Phe74Cys; replaces phenylalanine 74 with cysteine.
Molecular consequence: missense variant.
Genome position (GRCh38, 1-based): chr15:68,214,366, A>C on the plus strand (T>G on the coding strand, the complement: CLN6 is on the minus strand). VCF-style: chr15-68214366-A-C. GRCh37 (hg19) VCF-style: chr15-68506704-A-C.
Other names: short protein forms F74C.
Identifiers: ClinVar variation 1054333 (VCV001054333.8), dbSNP rs199658226, ClinGen allele CA7630661.

ClinVar aggregate classification (germline): Uncertain significance. Review status: criteria provided, multiple submitters, no conflicts (2 of 4 stars). 2 submissions from 2 submitters: Uncertain significance (2). Last evaluated 2024-10-28.

Conditions:
Neuronal ceroid lipofuscinosis. Also called: Neuronal Ceroid Lipofuscinoses. Identifiers: Orphanet 216, Orphanet 79263, MedGen C0027877, MONDO:0016295. Disease mechanism: loss of function.

Allele frequency attached by ClinVar (database versions not stated): TOPMed below 0.00001; gnomAD 0.00001; gnomAD exomes 0.00001 and 0.00003; ExAC 0.00002; 1000 Genomes Project 0.00020; 1000 Genomes Project 30x 0.00031.
gnomAD v4.1: 8 of 1,613,632 alleles (0.0005%); highest among the groups gnomAD compares: Admixed American, 0.01%; no homozygotes.

Submissions (2):

Labcorp Genetics (formerly Invitae), Labcorp
Classification: Uncertain significance for Neuronal ceroid lipofuscinosis. Last evaluated: 2024-10-28. Review status: criteria provided, single submitter. Criteria: Invitae Variant Classification Sherloc (09022015). Collection method: clinical testing. Allele origin: germline.
Comment: This sequence change replaces phenylalanine, which is neutral and non-polar, with cysteine, which is neutral and slightly polar, at codon 74 of the CLN6 protein (p.Phe74Cys). This variant is present in population databases (rs199658226, gnomAD 0.01%). This variant has not been reported in the literature in individuals affected with CLN6-related conditions. ClinVar contains an entry for this variant (Variation ID: 1054333). Invitae Evidence Modeling of protein sequence and biophysical properties (such as structural, functional, and spatial information, amino acid conservation, physicochemical variation, residue mobility, and thermodynamic stability) indicates that this missense variant is not expected to disrupt CLN6 protein function with a negative predictive value of 80%. In summary, the available evidence is currently insufficient to determine the role of this variant in disease. Therefore, it has been classified as a Variant of Uncertain Significance.

Blueprint Genetics
Classification: Uncertain significance. Last evaluated: 2021-06-07. Review status: criteria provided, single submitter. Criteria: ACMG Guidelines, 2015. Collection method: clinical testing. Allele origin: germline.